The following is an entry in ClinVar:

NM_002529.4(NTRK1):c.2T>A (p.Met1Lys)

Genes: NTRK1 (neurotrophic receptor tyrosine kinase 1; plus strand), LOC129931648 (ATAC-STARR-seq lymphoblastoid silent region 1440; plus strand). Cytogenetic location: 1q23.1.
Variant type: single nucleotide variant.
Coding change: c.2T>A on transcript NM_002529.4 (MANE Select); coding-DNA position 2, T replaced by A.
Protein change: p.Met1Lys; changes the start codon (methionine 1).
Molecular consequence: missense variant, initiator codon variant. On other transcripts: intron variant (1).
Genome position (GRCh38, 1-based): chr1:156,860,936, T>A. VCF-style: chr1-156860936-T-A. GRCh37 (hg19) VCF-style: chr1-156830728-T-A.
Other names: c.2T>A, p.Met1Lys (NM_001007204.1, NM_001012331.2); c.123-3418T>A (NM_001007792.1); short protein forms M1K.
Identifiers: ClinVar variation 3220919 (VCV003220919.2), dbSNP rs2102878838, ClinGen allele CA342928804.

ClinVar aggregate classification (germline): Likely pathogenic. Review status: criteria provided, multiple submitters, no conflicts (2 of 4 stars). 2 submissions from 2 submitters: Likely pathogenic (2). Last evaluated 2025-01-17.

Conditions:
NTRK1-related disorder. Also called: NTRK1-related condition.
Hereditary insensitivity to pain with anhidrosis (CIPA). Also called: INSENSITIVITY TO PAIN, CONGENITAL, WITH ANHIDROSIS; FAMILIAL DYSAUTONOMIA, TYPE II; NEUROPATHY, CONGENITAL SENSORY, WITH ANHIDROSIS; NTRK1 Congenital Insensitivity to Pain with Anhidrosis; HSAN Type IV; hereditary sensory and autonomic neuropathy type 4. Identifiers: Orphanet 642, MedGen C0020074, MONDO:0009746, OMIM 256800.

Allele frequency attached by ClinVar (database versions not stated): gnomAD exomes below 0.00001.

Submissions (2):

PreventionGenetics, part of Exact Sciences
Classification: Likely pathogenic for NTRK1-related condition. Last evaluated: 2025-01-17. Review status: criteria provided, single submitter. Criteria: ACMG Guidelines, 2015. Collection method: clinical testing. Allele origin: germline.
Comment: The NTRK1 c.2T>A variant is predicted to disrupt the translation initiation site (p.Met1?). This variant has been reported in the homozygous state an individual with hereditary sensory and autonomic neuropathy (HSAN) (Lischka et al. 2023. PubMed ID: 37769650). This variant has not been reported in a large population database (gnomAD), indicating this variant is rare. An alternate start loss variant (c.1A>G; p.Met1Val) has been reported in the compound heterozygous state in an individual with congenital insensitivity to pain with anhidrosis (CIPA) (Zhao et al. 2020. PubMed ID: 32219930). Loss of function variants, including start loss variants, are expected to be pathogenic. This variant is interpreted as likely pathogenic.

Genomic Medicine Center of Excellence, King Faisal Specialist Hospital and Research Centre
Classification: Likely pathogenic for Insensitivity to pain, congenital, with anhidrosis. Last evaluated: 2024-03-14. Review status: criteria provided, single submitter. Criteria: ACMG Guidelines, 2015. Collection method: clinical testing. Allele origin: germline.